The following is an entry in ClinVar:

NM_000443.4(ABCB4):c.2479G>C (p.Ala827Pro)

Gene: ABCB4 (ATP binding cassette subfamily B member 4; minus strand). Cytogenetic location: 7q21.12.
Variant type: single nucleotide variant.
Coding change: c.2479G>C on transcript NM_000443.4 (MANE Select); coding-DNA position 2479, G replaced by C.
Protein change: p.Ala827Pro; replaces alanine 827 with proline.
Molecular consequence: missense variant.
Genome position (GRCh38, 1-based): chr7:87,417,515, C>G on the plus strand (G>C on the coding strand, the complement: ABCB4 is on the minus strand). VCF-style: chr7-87417515-C-G. GRCh37 (hg19) VCF-style: chr7-87046831-C-G.
Other names: c.2479G>C, p.Ala827Pro (NM_018849.3, NM_018850.3); short protein forms A827P.
Identifiers: ClinVar variation 4995418 (VCV004995418.1).

ClinVar aggregate classification (germline): Uncertain significance (1 of 4 stars; one submission).

Conditions:
ABCB4-related disorder. Also called: ABCB4-related disorders; ABCB4-related condition.

Submission:

PreventionGenetics, part of Exact Sciences
Classification: Uncertain significance for ABCB4-related condition. Last evaluated: 2026-07-23. Review status: criteria provided, single submitter. Criteria: ACMG Guidelines, 2015. Collection method: clinical testing. Allele origin: germline.
Comment: The ABCB4 c.2479G>C variant is predicted to result in the amino acid substitution p.Ala827Pro. To our knowledge, this variant has not been reported in the literature or in a large population database (gnomAD), indicating this variant is rare. At this time, the clinical significance of this variant is uncertain due to the absence of conclusive functional and genetic evidence.